The following is an entry in ClinVar:

ClinVar aggregate classification (germline): Uncertain significance (1 of 4 stars; one submission).

Conditions:
Charcot-Marie-Tooth disease dominant intermediate B (CMTDIB). Also called: Charcot-Marie-Tooth disease dominant intermediate 1; CMT DI1; Charcot-Marie-Tooth disease dominant intermediate I; CHARCOT-MARIE-TOOTH NEUROPATHY, DOMINANT INTERMEDIATE B. Identifiers: Orphanet 100044, Orphanet 228179, MedGen C1847902, MONDO:0011674, OMIM 606482.

Submission:

Labcorp Genetics (formerly Invitae), Labcorp
Classification: Uncertain significance for Charcot-Marie-Tooth disease dominant intermediate B. Last evaluated: 2019-02-05. Review status: criteria provided, single submitter. Criteria: Invitae Variant Classification Sherloc (09022015). Collection method: clinical testing. Allele origin: germline.
Comment: In summary, the available evidence is currently insufficient to determine the role of this variant in disease. Therefore, it has been classified as a Variant of Uncertain Significance. Algorithms developed to predict the effect of missense changes on protein structure and function are either unavailable or do not agree on the potential impact of this missense change (SIFT: "Deleterious"; PolyPhen-2: "Benign"; Align-GVGD: "Class C0"). This variant has not been reported in the literature in individuals with DNM2-related conditions. This variant is not present in population databases (ExAC no frequency). This sequence change replaces serine with alanine at codon 126 of the DNM2 protein (p.Ser126Ala). The serine residue is highly conserved and there is a moderate physicochemical difference between serine and alanine.

NM_001005361.3(DNM2):c.376T>G (p.Ser126Ala)

Gene: DNM2 (dynamin 2; plus strand). Cytogenetic location: 19p13.2.
Variant type: single nucleotide variant.
Coding change: c.376T>G on transcript NM_001005361.3 (MANE Select); coding-DNA position 376, T replaced by G.
Protein change: p.Ser126Ala; replaces serine 126 with alanine.
Molecular consequence: missense variant.
Genome position (GRCh38, 1-based): chr19:10,772,619, T>G. VCF-style: chr19-10772619-T-G. GRCh37 (hg19) VCF-style: chr19-10883295-T-G.
Other names: c.376T>G, p.Ser126Ala (NM_001005360.3, NM_001005362.3, NM_001190716.2 and 1 more transcripts); short protein forms S126A.
Identifiers: ClinVar variation 850641 (VCV000850641.9), dbSNP rs2071018084, ClinGen allele CA404041954.